The following is an entry in ClinVar:

NM_001844.5(COL2A1):c.2185G>A (p.Gly729Ser)

Gene: COL2A1 (collagen type II alpha 1 chain; minus strand). Cytogenetic location: 12q13.11.
Variant type: single nucleotide variant.
Coding change: c.2185G>A on transcript NM_001844.5 (MANE Select); coding-DNA position 2185, G replaced by A.
Protein change: p.Gly729Ser; replaces glycine 729 with serine.
Molecular consequence: missense variant.
Genome position (GRCh38, 1-based): chr12:47,982,856, C>T on the plus strand (G>A on the coding strand, the complement: COL2A1 is on the minus strand). VCF-style: chr12-47982856-C-T. GRCh37 (hg19) VCF-style: chr12-48376639-C-T.
Other names: c.1978G>A, p.Gly660Ser (NM_033150.3); c.2185G>A (NM_001844.4); short protein forms G729S, G660S.
Identifiers: ClinVar variation 2804584 (VCV002804584.4), dbSNP rs2540135652, ClinGen allele CA384546859.

ClinVar aggregate classification (germline): Likely pathogenic. Review status: criteria provided, multiple submitters, no conflicts (2 of 4 stars). 2 submissions from 2 submitters: Likely pathogenic (2). Last evaluated 2024-05-07.

Conditions:
COL2A1-related disorder. Also called: COL2A1-related condition; COL2A1-related disorders.

Submissions (2):

Rady Children's Institute for Genomic Medicine, Rady Children's Hospital San Diego
Classification: Likely pathogenic for COL2A1-related disorders. Last evaluated: 2024-05-07. Review status: criteria provided, single submitter. Criteria: ACMG Guidelines, 2015. Collection method: clinical testing. Allele origin: germline. Affected: yes.
Comment: The COL2A1 gene is constrained against variation (Z-score= 5.39 and pLI = 1).The c.2185G>A (p.Gly729Ser) variant affects a highly conserved amino acid and is predicted by multiple in silico tools to have a deleterious effect on protein function. This variant has not been previously reported or functionally characterized in the literature to our knowledge. The c.2185G>A (p.Gly729Ser) variant is located in the triple helical domain, which is comprised of Gly-X-Y repeats. Substitutions of the repeating glycine residues disrupt protein function (PMID: 31021589). The c.2185G>A (p.Gly729Ser) variant is absent from the gnomAD v4 population database and thus is presumed to be rare. Based on the available evidence, c.2185G>A (p.Gly729Ser) is classified as Likely Pathogenic.

Labcorp Genetics (formerly Invitae), Labcorp
Classification: Likely pathogenic. Last evaluated: 2023-08-03. Review status: criteria provided, single submitter. Criteria: Invitae Variant Classification Sherloc (09022015). Collection method: clinical testing. Allele origin: germline.
Comment: In summary, the currently available evidence indicates that the variant is pathogenic, but additional data are needed to prove that conclusively. Therefore, this variant has been classified as Likely Pathogenic. This variant disrupts the triple helix domain of COL2A1. Glycine residues within the Gly-Xaa-Yaa repeats of the triple helix domain are required for the structure and stability of fibrillar collagens (PMID: 7695699, 8218237, 19344236). In COL2A1, variants affecting these glycine residues are significantly enriched in individuals with disease (PMID: 9016532, 17078022) compared to the general population (ExAC). Advanced modeling of protein sequence and biophysical properties (such as structural, functional, and spatial information, amino acid conservation, physicochemical variation, residue mobility, and thermodynamic stability) performed at Invitae indicates that this missense variant is expected to disrupt COL2A1 protein function. This variant has not been reported in the literature in individuals affected with COL2A1-related conditions. This variant is not present in population databases (gnomAD no frequency). This sequence change replaces glycine, which is neutral and non-polar, with serine, which is neutral and polar, at codon 729 of the COL2A1 protein (p.Gly729Ser).

Literature cited by the submitters: PubMed 7695699 (cited by Labcorp Genetics (formerly Invitae), Labcorp); PubMed 8218237 (cited by Labcorp Genetics (formerly Invitae), Labcorp); PubMed 19344236 (cited by Labcorp Genetics (formerly Invitae), Labcorp); PubMed 9016532 (cited by Labcorp Genetics (formerly Invitae), Labcorp); PubMed 17078022 (cited by Labcorp Genetics (formerly Invitae), Labcorp).